The following is an entry in ClinVar:

ClinVar aggregate classification (germline): Uncertain significance (1 of 4 stars; one submission).

gnomAD v4.1: 1 of 1,607,740 alleles (0.000062%); highest among the groups gnomAD compares: Admixed American, 0.0017%; no homozygotes.

Submission:

Labcorp Genetics (formerly Invitae), Labcorp
Classification: Uncertain significance. Last evaluated: 2024-11-07. Review status: criteria provided, single submitter. Criteria: Invitae Variant Classification Sherloc (09022015). Collection method: clinical testing. Allele origin: germline.
Comment: This sequence change replaces alanine, which is neutral and non-polar, with serine, which is neutral and polar, at codon 102 of the PPM1D protein (p.Ala102Ser). This variant is not present in population databases (gnomAD no frequency). This variant has not been reported in the literature in individuals affected with PPM1D-related conditions. An algorithm developed to predict the effect of missense changes on protein structure and function (PolyPhen-2) suggests that this variant is likely to be disruptive. In summary, the available evidence is currently insufficient to determine the role of this variant in disease. Therefore, it has been classified as a Variant of Uncertain Significance.

NM_003620.4(PPM1D):c.304G>T (p.Ala102Ser)

Gene: PPM1D (protein phosphatase, Mg2+/Mn2+ dependent 1D; plus strand). Cytogenetic location: 17q23.2.
Variant type: single nucleotide variant.
Coding change: c.304G>T on transcript NM_003620.4 (MANE Select); coding-DNA position 304, G replaced by T.
Protein change: p.Ala102Ser; replaces alanine 102 with serine.
Molecular consequence: missense variant.
Genome position (GRCh38, 1-based): chr17:60,600,718, G>T. VCF-style: chr17-60600718-G-T. GRCh37 (hg19) VCF-style: chr17-58678079-G-T.
Other names: short protein forms A102S.
Identifiers: ClinVar variation 3606704 (VCV003606704.2).